The following is an entry in ClinVar:

NM_000484.4(APP):c.2141C>T (p.Thr714Ile)

Gene: APP (amyloid beta precursor protein; minus strand). Cytogenetic location: 21q21.3.
Variant type: single nucleotide variant.
Coding change: c.2141C>T on transcript NM_000484.4 (MANE Select); coding-DNA position 2141, C replaced by T.
Protein change: p.Thr714Ile; replaces threonine 714 with isoleucine.
Molecular consequence: missense variant.
Genome position (GRCh38, 1-based): chr21:25,891,792, G>A on the plus strand (C>T on the coding strand, the complement: APP is on the minus strand). VCF-style: chr21-25891792-G-A. GRCh37 (hg19) VCF-style: chr21-27264104-G-A.
Other names: c.2069C>T, p.Thr690Ile (NM_001136016.3); c.1748C>T, p.Thr583Ile (NM_001136129.3); c.1973C>T, p.Thr658Ile (NM_001136130.3, NM_001385253.1); c.1811C>T, p.Thr604Ile (NM_001136131.3); c.2087C>T, p.Thr696Ile (NM_001204301.2); c.2030C>T, p.Thr677Ile (NM_001204302.2); c.1862C>T, p.Thr621Ile (NM_001204303.2); c.2084C>T, p.Thr695Ile (NM_201413.3); and 1 more; short protein forms T714I, T677I, T690I, T604I, T639I, T658I, T621I, T695I.
Identifiers: ClinVar variation 18100 (VCV000018100.3), dbSNP rs63750973, ClinGen allele CA127803.

ClinVar aggregate classification (germline): Pathogenic. Review status: criteria provided, single submitter (1 of 4 stars). 3 submissions from 3 submitters: Pathogenic (1). 2 of the submissions do not count toward it. Last evaluated 2024-04-25.

Conditions:
Alzheimer disease type 1 (AD1). Also called: ALZHEIMER DISEASE, FAMILIAL, 1; ALZHEIMER DISEASE, FAMILIAL, 1, AUTOSOMAL RECESSIVE. Identifiers: MedGen C1863052, MONDO:0007088, OMIM 104300.
Alzheimer disease. Also called: Alzheimer's disease; Presenile and senile dementia. Identifiers: Orphanet 1020, MedGen C0002395, MeSH D000544, MONDO:0004975, HP:0002511.

Submissions (3):

Labcorp Genetics (formerly Invitae), Labcorp
Classification: Pathogenic for Alzheimer disease. Last evaluated: 2024-04-25. Review status: criteria provided, single submitter. Criteria: Invitae Variant Classification Sherloc (09022015). Collection method: clinical testing. Allele origin: germline.
Comment: This sequence change replaces threonine, which is neutral and polar, with isoleucine, which is neutral and non-polar, at codon 714 of the APP protein (p.Thr714Ile). This variant is not present in population databases (gnomAD no frequency). This missense change has been observed in individuals with early-onset Alzheimer's disease (PMID: 11063718, 16033913; Invitae). It has also been observed to segregate with disease in related individuals. ClinVar contains an entry for this variant (Variation ID: 18100). Advanced modeling of protein sequence and biophysical properties (such as structural, functional, and spatial information, amino acid conservation, physicochemical variation, residue mobility, and thermodynamic stability) has been performed at Invitae for this missense variant, however the output from this modeling did not meet the statistical confidence thresholds required to predict the impact of this variant on APP protein function. Experimental studies have shown that this missense change affects APP function (PMID: 11063718). This variant disrupts the p.Thr714 amino acid residue in APP. Other variant(s) that disrupt this residue have been determined to be pathogenic (PMID: 12034808, 14769392, 18187157; Invitae). This suggests that this residue is clinically significant, and that variants that disrupt this residue are likely to be disease-causing. For these reasons, this variant has been classified as Pathogenic.

OMIM
Classification: Pathogenic for ALZHEIMER DISEASE, FAMILIAL, 1. Last evaluated: 2005-01-25. Review status: no assertion criteria provided. Collection method: literature only. Allele origin: germline. Not counted in ClinVar's aggregate classification.

VIB  Department of Molecular Genetics, University of Antwerp
No classification provided. Review status: no classification provided. Collection method: not provided. Allele origin: not provided. Not counted in ClinVar's aggregate classification.

Literature cited by the submitters: PubMed 11063718 (cited by Labcorp Genetics (formerly Invitae), Labcorp and OMIM); PubMed 16033913 (cited by Labcorp Genetics (formerly Invitae), Labcorp); PubMed 12034808 (cited by Labcorp Genetics (formerly Invitae), Labcorp); PubMed 14769392 (cited by Labcorp Genetics (formerly Invitae), Labcorp); PubMed 18187157 (cited by Labcorp Genetics (formerly Invitae), Labcorp); PubMed 15668448 (cited by OMIM).